The following is an entry in ClinVar:

ClinVar aggregate classification (germline): Uncertain significance. Review status: criteria provided, multiple submitters, no conflicts (2 of 4 stars). 2 submissions from 2 submitters: Uncertain significance (2). Last evaluated 2024-03-13.

Conditions:
Renpenning syndrome. Also called: MENTAL RETARDATION, X-LINKED 55; MENTAL RETARDATION, X-LINKED, SYNDROMIC 8; SUTHERLAND-HAAN X-LINKED MENTAL RETARDATION SYNDROME; Mental retardation, X-linked Renpenning type; X-linked mental retardation with spastic diplegia; X-linked mental retardation syndromic 3. Identifiers: Orphanet 3242, MedGen C0796135, MONDO:0010653, OMIM 309500.

Allele frequency attached by ClinVar (database versions not stated): gnomAD exomes 0.00001 and 0.00002; ExAC 0.00003.

Submissions (2):

GeneDx
Classification: Uncertain significance. Last evaluated: 2024-03-13. Review status: criteria provided, single submitter. Criteria: GeneDx Variant Classification Process June 2021. Collection method: clinical testing. Allele origin: germline. Affected: yes.
Comment: In silico analysis supports that this missense variant does not alter protein structure/function; Has not been previously published as pathogenic or benign to our knowledge

Neuberg Centre For Genomic Medicine, NCGM
Classification: Uncertain significance for Renpenning syndrome. Review status: criteria provided, single submitter. Criteria: ACMG Guidelines, 2015. Collection method: clinical testing. Allele origin: germline. Inheritance: X-linked recessive inheritance. Affected: yes.
Comment: The observed missense c.488G>A(p.Arg163His) variant in PQBP1 gene has not been reported previously as a pathogenic variant nor as a benign variant, to our knowledge. his variant is reported with the allele frequency of 0.002% in the gnomAD Exomes. This variant has been reported to the ClinVar database as Uncertain Significance. However, no details are available for independent assessment. The amino acid Arg at position 163 is changed to a His changing protein sequence and it might alter its composition and physico-chemical properties. The amino acid change p.Arg163His in PQBP1 is predicted as conserved by GERP++ and PhyloP across 100 vertebrates. Multiple lines of computational evidence (Polyphen - Damaging, SIFT - Damaging and MutationTaster - Disease causing) predict a damaging effect on protein structure and function for this variant. For these reasons, this variant has been classified as Uncertain Significance.

NM_001032382.2(PQBP1):c.488G>A (p.Arg163His)

Gene: PQBP1 (polyglutamine binding protein 1; plus strand). Cytogenetic location: Xp11.23.
Variant type: single nucleotide variant.
Coding change: c.488G>A on transcript NM_001032382.2 (MANE Select); coding-DNA position 488, G replaced by A.
Protein change: p.Arg163His; replaces arginine 163 with histidine.
Molecular consequence: missense variant. On other transcripts: intron variant (2).
Genome position (GRCh38, 1-based): chrX:48,902,428, G>A. VCF-style: chrX-48902428-G-A. GRCh37 (hg19) VCF-style: chrX-48759705-G-A.
Other names: c.488G>A, p.Arg163His (NM_005710.2, NM_001032381.2, NM_001032383.2 and 2 more transcripts); c.464G>A, p.Arg155His (NM_001167990.2); c.293-304G>A (NM_144495.3); c.202-14G>A (NM_001167992.1); short protein forms R155H, R163H.
Identifiers: ClinVar variation 1326027 (VCV001326027.4), dbSNP rs782686522, ClinGen allele CA10405928.